The following is an entry in ClinVar:

ClinVar aggregate classification (germline): Uncertain significance. Review status: criteria provided, multiple submitters, no conflicts (2 of 4 stars). 2 submissions from 2 submitters: Uncertain significance (2). Last evaluated 2025-01-23.

Conditions:
Macrocephaly-developmental delay syndrome (MRT41). Also called: INTELLECTUAL DEVELOPMENTAL DISORDER, AUTOSOMAL RECESSIVE 41. Identifiers: Orphanet 397612, MedGen C3810225, MONDO:0014289, OMIM 615637.

gnomAD v4.1: 3 of 1,612,044 alleles (0.00019%); highest among the groups gnomAD compares: Non-Finnish European, 0.00025%; no homozygotes.

Submissions (2):

Institute of Human Genetics, University of Leipzig Medical Center
Classification: Uncertain significance for Macrocephaly-developmental delay syndrome. Last evaluated: 2025-01-23. Review status: criteria provided, single submitter. Criteria: ACMG Guidelines, 2015. Collection method: clinical testing. Allele origin: paternal. Inheritance: Autosomal recessive inheritance. Affected: yes.
Comment: Criteria applied: PM2,PM3,PP3

Labcorp Genetics (formerly Invitae), Labcorp
Classification: Uncertain significance for Macrocephaly-developmental delay syndrome. Last evaluated: 2024-08-14. Review status: criteria provided, single submitter. Criteria: Invitae Variant Classification Sherloc (09022015). Collection method: clinical testing. Allele origin: germline.
Comment: This sequence change falls in intron 11 of the KPTN gene. It does not directly change the encoded amino acid sequence of the KPTN protein. It affects a nucleotide within the consensus splice site. This variant is not present in population databases (gnomAD no frequency). This variant has not been reported in the literature in individuals affected with KPTN-related conditions. Variants that disrupt the consensus splice site are a relatively common cause of aberrant splicing (PMID: 17576681, 9536098). Algorithms developed to predict the effect of sequence changes on RNA splicing suggest that this variant may disrupt the consensus splice site. In summary, the available evidence is currently insufficient to determine the role of this variant in disease. Therefore, it has been classified as a Variant of Uncertain Significance.

Literature cited by the submitters: PubMed 17576681 (cited by Labcorp Genetics (formerly Invitae), Labcorp); PubMed 9536098 (cited by Labcorp Genetics (formerly Invitae), Labcorp).

NM_007059.4(KPTN):c.1183-3C>G

Gene: KPTN (kaptin, actin binding protein; minus strand). Cytogenetic location: 19q13.32.
Variant type: single nucleotide variant.
Coding change: c.1183-3C>G on transcript NM_007059.4 (MANE Select); 3 bases into the intron before coding-DNA position 1183, C replaced by G.
Molecular consequence: intron variant.
Genome position (GRCh38, 1-based): chr19:47,475,547, G>C on the plus strand (C>G on the coding strand, the complement: KPTN is on the minus strand). VCF-style: chr19-47475547-G-C. GRCh37 (hg19) VCF-style: chr19-47978804-G-C.
Other names: c.1015-3C>G (NM_001291296.2).
Identifiers: ClinVar variation 3730308 (VCV003730308.4).